The following is an entry in ClinVar:

ClinVar aggregate classification (germline): Uncertain significance (1 of 4 stars; one submission).

Conditions:
Aortic valve disease 2 (AOVD2). Identifiers: MedGen C3542024, MONDO:0013902, OMIM 614823.

Submission:

Labcorp Genetics (formerly Invitae), Labcorp
Classification: Uncertain significance for Aortic valve disease 2. Last evaluated: 2025-05-14. Review status: criteria provided, single submitter. Criteria: Invitae Variant Classification Sherloc (09022015). Collection method: clinical testing. Allele origin: germline.
Comment: This variant, c.93_95dup, results in the insertion of 1 amino acid(s) of the SMAD6 protein (p.Gly33dup), but otherwise preserves the integrity of the reading frame. This variant is not present in population databases (gnomAD no frequency). This variant has not been reported in the literature in individuals affected with SMAD6-related conditions. In summary, the available evidence is currently insufficient to determine the role of this variant in disease. Therefore, it has been classified as a Variant of Uncertain Significance.

NM_005585.5(SMAD6):c.93_95dup (p.Gly33_Asp34insGly)

Gene: SMAD6 (SMAD family member 6; plus strand). Cytogenetic location: 15q22.31.
Variant type: Duplication.
Coding change: c.93_95dup on transcript NM_005585.5 (MANE Select); coding-DNA positions 93 to 95, 3 bases duplicated (TGG; older notation c.93_95dupTGG).
Protein change: p.Gly33_Asp34insGly.
Molecular consequence: inframe insertion. On other transcripts: non-coding transcript variant (1).
Genome position (GRCh38, 1-based): chr15:66,703,351-66,703,353, TGG duplicated; duplicating any 3 consecutive bases within chr15:66,703,349-66,703,353 gives the same sequence; the c. name uses the placement nearest the transcript's 3' end. VCF-style (leftmost placement, unchanged base first): chr15-66703348-C-CGGT. GRCh37 (hg19) VCF-style: chr15-66995686-C-CGGT.
Identifiers: ClinVar variation 4744548 (VCV004744548.1).